The following is an entry in ClinVar:

ClinVar aggregate classification (germline): Uncertain significance (1 of 4 stars; one submission).

gnomAD v4.1: 2 of 1,613,764 alleles (0.00012%); highest among the groups gnomAD compares: Non-Finnish European, 0.00017%; no homozygotes.

Submission:

Ambry Genetics
Classification: Uncertain significance. Last evaluated: 2025-12-11. Review status: criteria provided, single submitter. Criteria: Ambry Variant Classification Scheme 2023. Collection method: clinical testing. Allele origin: germline.
Comment: The p.S560N variant (also known as c.1679G>A), located in coding exon 13 of the GEN1 gene, results from a G to A substitution at nucleotide position 1679. The serine at codon 560 is replaced by asparagine, an amino acid with highly similar properties. This amino acid position is conserved. In addition, this alteration is predicted to be tolerated by in silico analysis. Based on the available evidence, the clinical significance of this variant remains unclear.

NM_001130009.3(GEN1):c.1679G>A (p.Ser560Asn)

Gene: GEN1 (GEN1 structure-specific endonuclease; plus strand). Cytogenetic location: 2p24.2.
Variant type: single nucleotide variant.
Coding change: c.1679G>A on transcript NM_001130009.3 (MANE Select); coding-DNA position 1679, G replaced by A.
Protein change: p.Ser560Asn; replaces serine 560 with asparagine.
Molecular consequence: missense variant.
Genome position (GRCh38, 1-based): chr2:17,780,891, G>A. VCF-style: chr2-17780891-G-A. GRCh37 (hg19) VCF-style: chr2-17962158-G-A.
Other names: c.1679G>A, p.Ser560Asn (NM_182625.5); short protein forms S560N.
Identifiers: ClinVar variation 4671527 (VCV004671527.1).